The following is an entry in ClinVar:

ClinVar aggregate classification (germline): Benign. Review status: criteria provided, multiple submitters, no conflicts (2 of 4 stars). 5 submissions from 5 submitters: Benign (5). Last evaluated 2026-02-02.

Conditions:
Developmental and epileptic encephalopathy, 53. Also called: Epileptic encephalopathy, early infantile, 53. Identifiers: MedGen C4479313, MONDO:0033362, OMIM 617389.
Early-onset Parkinson disease 20. Also called: PARKINSON DISEASE 20, AUTOSOMAL RECESSIVE EARLY-ONSET. Identifiers: Orphanet 391411, MedGen C3809824, MONDO:0014233, OMIM 615530.

Allele frequency attached by ClinVar (database versions not stated): 1000 Genomes Project 30x 0.00734; 1000 Genomes Project 0.00799; gnomAD 0.00954 and 0.00982; TOPMed 0.00989; ESP Exome Variant Server 0.01000; gnomAD exomes 0.01269 and 0.01330; ExAC 0.01374.
gnomAD v4.1: 20,986 of 1,614,048 alleles (1.3%); highest among the groups gnomAD compares: Middle Eastern, 4.8%; 178 homozygotes.

Submissions (5):

Labcorp Genetics (formerly Invitae), Labcorp
Classification: Benign for Developmental and epileptic encephalopathy, 53; Early-onset Parkinson disease 20. Last evaluated: 2026-02-02. Review status: criteria provided, single submitter. Criteria: Invitae Variant Classification Sherloc (09022015). Collection method: clinical testing. Allele origin: germline.

Mayo Clinic Laboratories, Mayo Clinic
Classification: Benign. Last evaluated: 2023-05-17. Review status: criteria provided, single submitter. Criteria: ACMG Guidelines, 2015. Collection method: clinical testing. Allele origin: germline. Observed: 27 variant alleles.
Comment: BS1, BS2, BP4

GeneDx
Classification: Benign. Last evaluated: 2019-09-03. Review status: criteria provided, single submitter. Criteria: GeneDx Variant Classification Process June 2021. Collection method: clinical testing. Allele origin: germline. Affected: yes.
Comment: This variant is associated with the following publications: (PMID: 23804577)

Athena Diagnostics
Classification: Benign. Last evaluated: 2018-04-11. Review status: criteria provided, single submitter. Criteria: Athena Diagnostics Criteria. Collection method: clinical testing. Allele origin: germline.

Breakthrough Genomics
Classification: Benign. Review status: criteria provided, single submitter. Criteria: ACMG Guidelines, 2015. Collection method: not provided. Allele origin: germline. Inheritance: Autosomal recessive inheritance. Affected: yes.

Literature cited by the submitters: PubMed 33515856 (cited by Mayo Clinic Laboratories, Mayo Clinic); PubMed 23804577 (cited by Athena Diagnostics).

NM_203446.3(SYNJ1):c.*329G>A

Gene: SYNJ1 (synaptojanin 1; minus strand). Cytogenetic location: 21q22.11.
Variant type: single nucleotide variant.
Coding change: c.*329G>A on transcript NM_203446.3 (MANE Select); 329 bases downstream of the stop codon, G replaced by A.
Molecular consequence: 3 prime UTR variant. On other transcripts: missense variant (2).
Genome position (GRCh38, 1-based): chr21:32,631,476, C>T on the plus strand (G>A on the coding strand, the complement: SYNJ1 is on the minus strand). VCF-style: chr21-32631476-C-T. GRCh37 (hg19) VCF-style: chr21-34003786-C-T.
Other names: p.Gly1453Glu; c.*329G>A (NM_001160302.2); c.4100G>A, p.Gly1367Glu (NM_001160306.2); c.4358G>A, p.Gly1453Glu (NM_003895.4); short protein forms G1453E, G1367E.
Identifiers: ClinVar variation 478356 (VCV000478356.16), dbSNP rs61750217, ClinGen allele CA10003130.